The following is an entry in ClinVar:

NM_000541.5(SAG):c.376-2A>G

Gene: SAG (S-antigen visual arrestin; plus strand). Cytogenetic location: 2q37.1.
Variant type: single nucleotide variant.
Coding change: c.376-2A>G on transcript NM_000541.5 (MANE Select); the canonical splice acceptor site of the intron before coding-DNA position 376, A replaced by G.
Molecular consequence: splice acceptor variant.
Genome position (GRCh38, 1-based): chr2:233,322,944, A>G. VCF-style: chr2-233322944-A-G. GRCh37 (hg19) VCF-style: chr2-234231590-A-G.
Identifiers: ClinVar variation 4699726 (VCV004699726.2).
Genomic context (GRCh38, chr2:233,322,944, plus strand): 5'-ATATTACTTAATGGAACAGCCCCTTCTGAAATAAATGATTTTTTATTTGTTTCTTTCCAC[A>G]GTTTCCTGACTACTTGCCCTGTTCAGTGATGTTGCAGCCAGCTCCACAAGATTCAGGGAA-3'

ClinVar aggregate classification (germline): Pathogenic/Likely pathogenic. Review status: criteria provided, multiple submitters, no conflicts (2 of 4 stars). 2 submissions from 2 submitters: Pathogenic (1); Likely pathogenic (1). Last evaluated 2025-10-16.

Conditions:
SAG-related disorder. Also called: SAG-related condition; SAG-related disorders.

gnomAD v4.1: 40 of 1,551,306 alleles (0.0026%); highest among the groups gnomAD compares: Middle Eastern, 0.017%; no homozygotes.

Submissions (2):

Labcorp Genetics (formerly Invitae), Labcorp
Classification: Pathogenic. Last evaluated: 2025-10-16. Review status: criteria provided, single submitter. Criteria: Invitae Variant Classification Sherloc (09022015). Collection method: clinical testing. Allele origin: germline.
Comment: This sequence change affects an acceptor splice site in intron 5 of the SAG gene. It is expected to disrupt RNA splicing. Variants that disrupt the donor or acceptor splice site typically lead to a loss of protein function (PMID: 16199547), and loss-of-function variants in SAG are known to be pathogenic (PMID: 9452120, 15234147, 22665972). This variant is not present in population databases (gnomAD no frequency). Disruption of this splice site has been observed in individual(s) with autosomal recessive Oguchi disease (PMID: 35246075). In at least one individual the data is consistent with being in trans (on the opposite chromosome) from a pathogenic variant. Algorithms developed to predict the effect of sequence changes on RNA splicing suggest that this variant may disrupt the consensus splice site. For these reasons, this variant has been classified as Pathogenic.

Blueprint Genetics
Classification: Likely pathogenic for SAG-related disorders. Last evaluated: 2022-07-20. Review status: criteria provided, single submitter. Criteria: ACMG Guidelines, 2015. Collection method: clinical testing. Allele origin: germline. Affected: yes. Observed: 2 variant alleles.

Literature cited by the submitters: PubMed 16199547 (cited by Labcorp Genetics (formerly Invitae), Labcorp); PubMed 9452120 (cited by Labcorp Genetics (formerly Invitae), Labcorp); PubMed 15234147 (cited by Labcorp Genetics (formerly Invitae), Labcorp); PubMed 22665972 (cited by Labcorp Genetics (formerly Invitae), Labcorp); PubMed 35246075 (cited by Labcorp Genetics (formerly Invitae), Labcorp).